The following is an entry in ClinVar:

ClinVar aggregate classification (germline): Uncertain significance (1 of 4 stars; one submission).

Submission:

GeneDx
Classification: Uncertain significance. Last evaluated: 2026-08-13. Review status: criteria provided, single submitter. Criteria: GeneDx Variant Classification Process June 2021. Collection method: clinical testing. Allele origin: germline.
Comment: Not observed at significant frequency in large population cohorts (gnomAD); In silico analysis supports that this missense variant has a deleterious effect on protein structure/function; Has not been previously published as pathogenic or benign to our knowledge

NM_014975.3(MAST1):c.3388C>T (p.His1130Tyr)

Gene: MAST1 (microtubule associated serine/threonine kinase 1; plus strand). Cytogenetic location: 19p13.13.
Variant type: single nucleotide variant.
Coding change: c.3388C>T on transcript NM_014975.3 (MANE Select); coding-DNA position 3388, C replaced by T.
Protein change: p.His1130Tyr; replaces histidine 1130 with tyrosine.
Molecular consequence: missense variant.
Genome position (GRCh38, 1-based): chr19:12,873,448, C>T. VCF-style: chr19-12873448-C-T. GRCh37 (hg19) VCF-style: chr19-12984262-C-T.
Other names: short protein forms H1130Y.
Identifiers: ClinVar variation 4529983 (VCV004529983.2).